The following is an entry in ClinVar:

NM_001384479.1(AGT):c.380C>T (p.Pro127Leu)

Gene: AGT (angiotensinogen; minus strand). Cytogenetic location: 1q42.2.
Variant type: single nucleotide variant.
Coding change: c.380C>T on transcript NM_001384479.1 (MANE Select); coding-DNA position 380, C replaced by T.
Protein change: p.Pro127Leu; replaces proline 127 with leucine.
Molecular consequence: missense variant.
Genome position (GRCh38, 1-based): chr1:230,710,444, G>A on the plus strand (C>T on the coding strand, the complement: AGT is on the minus strand). VCF-style: chr1-230710444-G-A. GRCh37 (hg19) VCF-style: chr1-230846190-G-A.
Other names: NM_000029.3:c.407C>T; c.380C>T, p.Pro127Leu (NM_001382817.3); short protein forms P127L.
Identifiers: ClinVar variation 1306360 (VCV001306360.3), dbSNP rs1173238921, ClinGen allele CA345206758.

ClinVar aggregate classification (germline): Uncertain significance. Review status: criteria provided, multiple submitters, no conflicts (2 of 4 stars). 2 submissions from 2 submitters: Uncertain significance (2). Last evaluated 2021-11-12.

Conditions:
Essential hypertension, genetic (EHT). Identifiers: MedGen CN305331, MONDO:0007781, OMIM 145500.
Renal tubular dysgenesis of genetic origin. Also called: PRIMITIVE RENAL TUBULE SYNDROME. Identifiers: Orphanet 97369, MedGen C5681536, MONDO:0009970, OMIM 267430.

Allele frequency attached by ClinVar (database versions not stated): gnomAD exomes below 0.00001; gnomAD 0.00002; TOPMed 0.00005.
gnomAD v4.1: 7 of 1,614,124 alleles (0.00043%); highest among the groups gnomAD compares: Admixed American, 0.0067%; no homozygotes.

Submissions (2):

Fulgent Genetics
Classification: Uncertain significance for Essential hypertension, genetic; Renal tubular dysgenesis of genetic origin. Last evaluated: 2021-11-12. Review status: criteria provided, single submitter. Criteria: ACMG Guidelines, 2015. Collection method: clinical testing. Allele origin: unknown.

GeneDx
Classification: Uncertain significance. Last evaluated: 2019-06-04. Review status: criteria provided, single submitter. Criteria: GeneDx Variant Classification Process June 2021. Collection method: clinical testing. Allele origin: germline. Affected: yes.
Comment: Not observed at a significant frequency in large population cohorts (Lek et al., 2016); In silico analysis, which includes protein predictors and evolutionary conservation, supports a deleterious effect; Has not been previously published as pathogenic or benign to our knowledge